The following is an entry in ClinVar:

NM_001375524.1(TRRAP):c.2139G>T (p.Leu713=)

Gene: TRRAP (transformation/transcription domain associated protein; plus strand). Cytogenetic location: 7q22.1.
Variant type: single nucleotide variant.
Coding change: c.2139G>T on transcript NM_001375524.1 (MANE Select); coding-DNA position 2139, G replaced by T.
Protein change: p.Leu713=; no amino-acid change (leucine 713 retained).
Molecular consequence: synonymous variant.
Genome position (GRCh38, 1-based): chr7:98,912,153, G>T. VCF-style: chr7-98912153-G-T. GRCh37 (hg19) VCF-style: chr7-98509776-G-T.
Other names: c.2139G>T, p.Leu713= (NM_001244580.2, NM_003496.4).
Identifiers: ClinVar variation 2657701 (VCV002657701.27), dbSNP rs782601624, ClinGen allele CA4359691.

ClinVar aggregate classification (germline): Likely benign. Review status: criteria provided, multiple submitters, no conflicts (2 of 4 stars). 2 submissions from 2 submitters: Likely benign (2). Last evaluated 2024-10-17.

Allele frequency attached by ClinVar (database versions not stated): TOPMed below 0.00001; gnomAD 0.00001; ExAC 0.00004.
gnomAD v4.1: 17 of 1,614,068 alleles (0.0011%); highest among the groups gnomAD compares: African/African-American, 0.0013%; no homozygotes.

Submissions (2):

Labcorp Genetics (formerly Invitae), Labcorp
Classification: Likely benign. Last evaluated: 2024-10-17. Review status: criteria provided, single submitter. Criteria: Invitae Variant Classification Sherloc (09022015). Collection method: clinical testing. Allele origin: germline.

CeGaT Center for Human Genetics Tuebingen
Classification: Likely benign. Last evaluated: 2022-10-01. Review status: criteria provided, single submitter. Criteria: CeGaT Center For Human Genetics Tuebingen Variant Classification Criteria Version 2. Collection method: clinical testing. Allele origin: germline. Affected: yes. Observed: 1 variant allele.
Comment: TRRAP: BP4, BP7